The following is an entry in ClinVar:

ClinVar aggregate classification (germline): Likely benign. Review status: criteria provided, multiple submitters, no conflicts (2 of 4 stars). 2 submissions from 2 submitters: Likely benign (2). Last evaluated 2026-07-01.

Conditions:
Atrial fibrillation, familial, 6 (ATFB6). Identifiers: MedGen C2677294, MONDO:0012816, OMIM 612201.

Allele frequency attached by ClinVar (database versions not stated): gnomAD exomes 0.00006 and 0.00013; ExAC 0.00012; 1000 Genomes Project 0.00040; 1000 Genomes Project 30x 0.00047; gnomAD 0.00057 and 0.00063; ESP Exome Variant Server 0.00069; TOPMed 0.00071.

Submissions (2):

CeGaT Center for Human Genetics Tuebingen
Classification: Likely benign. Last evaluated: 2026-07-01. Review status: criteria provided, single submitter. Criteria: CeGaT Center For Human Genetics Tuebingen Variant Classification Criteria Version 2. Collection method: clinical testing. Allele origin: germline. Affected: yes. Observed: 1 variant allele.
Comment: NPPA: BP4, BP7

Labcorp Genetics (formerly Invitae), Labcorp
Classification: Likely benign for Atrial fibrillation, familial, 6. Last evaluated: 2026-01-26. Review status: criteria provided, single submitter. Criteria: Invitae Variant Classification Sherloc (09022015). Collection method: clinical testing. Allele origin: germline.

NM_006172.4(NPPA):c.135C>T (p.Asp45=)

Genes: NPPA (natriuretic peptide A; minus strand), NPPA-AS1 (NPPA antisense RNA 1; plus strand), LOC114827827 (VISTA enhancer hs2123; plus strand). Cytogenetic location: 1p36.22.
Variant type: single nucleotide variant.
Coding change: c.135C>T on transcript NM_006172.4 (MANE Select); coding-DNA position 135, C replaced by T.
Protein change: p.Asp45=; no amino-acid change (aspartic acid 45 retained).
Molecular consequence: synonymous variant.
Genome position (GRCh38, 1-based): chr1:11,847,428, G>A on the plus strand (C>T on the coding strand, the complement: NPPA is on the minus strand). VCF-style: chr1-11847428-G-A. GRCh37 (hg19) VCF-style: chr1-11907485-G-A.
Other names: c.135C>T (LRG_751t1).
Identifiers: ClinVar variation 415935 (VCV000415935.13), dbSNP rs148712945, ClinGen allele CA597079.
Genomic context (GRCh38, chr1:11,847,428, plus strand): 5'-CTCACTGAGCACTTGTGGGGGCACGACCTCATCTTCTAAAGGCATCTTTTCTTCCAAATG[G>A]TCCAGCAAATTCTTTAGAAAAGGAAAATACAGGGAAAGGGATAAACCTCACTGACTTGGA-3'
Protein context (NP_006163.1, residues 35-55): ADLMDFKNLL[Asp45=]HLEEKMPLED